The following is an entry in ClinVar:

NM_003334.4(UBA1):c.1049G>A (p.Arg350His)

Gene: UBA1 (ubiquitin like modifier activating enzyme 1; plus strand). Cytogenetic location: Xp11.3.
Variant type: single nucleotide variant.
Coding change: c.1049G>A on transcript NM_003334.4 (MANE Select); coding-DNA position 1049, G replaced by A.
Protein change: p.Arg350His; replaces arginine 350 with histidine.
Molecular consequence: missense variant.
Genome position (GRCh38, 1-based): chrX:47,202,497, G>A. VCF-style: chrX-47202497-G-A. GRCh37 (hg19) VCF-style: chrX-47061896-G-A.
Other names: c.1049G>A, p.Arg350His (NM_153280.3); short protein forms R350H.
Identifiers: ClinVar variation 578608 (VCV000578608.14), dbSNP rs5906354, ClinGen allele CA10395821.

ClinVar aggregate classification (germline): Conflicting classifications of pathogenicity. Review status: criteria provided, conflicting classifications (1 of 4 stars). 3 submissions from 3 submitters: Uncertain significance (1); Likely benign (2). Last evaluated 2025-10-29.

Conditions:
Inborn genetic diseases. Identifiers: MedGen C0950123, MeSH D030342.
Infantile-onset X-linked spinal muscular atrophy. Also called: AMC, DISTAL, X-LINKED; Spinal Muscular Atrophy, X-Linked Infantile; SPINAL MUSCULAR ATROPHY, X-LINKED LETHAL INFANTILE; ARTHROGRYPOSIS, X-LINKED, TYPE I; Spinal muscular atrophy, X-linked 2. Identifiers: Orphanet 1145, MedGen C1844934, MONDO:0010532, OMIM 301830.

Allele frequency attached by ClinVar (database versions not stated): ExAC 0.00008; ESP Exome Variant Server 0.00009; gnomAD exomes 0.00015 and 0.00048; TOPMed 0.00019; gnomAD 0.00020.
gnomAD v4.1: 533 of 1,199,966 alleles (0.044%); highest among the groups gnomAD compares: Non-Finnish European, 0.056%; no homozygotes.

Submissions (3):

Labcorp Genetics (formerly Invitae), Labcorp
Classification: Uncertain significance for Infantile-onset X-linked spinal muscular atrophy. Last evaluated: 2025-10-29. Review status: criteria provided, single submitter. Criteria: Invitae Variant Classification Sherloc (09022015). Collection method: clinical testing. Allele origin: germline.
Comment: This sequence change replaces arginine, which is basic and polar, with histidine, which is basic and polar, at codon 350 of the UBA1 protein (p.Arg350His). The frequency data for this variant in the population databases is considered unreliable, as metrics indicate poor data quality at this position in the gnomAD database. This variant has not been reported in the literature in individuals affected with UBA1-related conditions. ClinVar contains an entry for this variant (Variation ID: 578608). An algorithm developed to predict the effect of missense changes on protein structure and function outputs the following: PolyPhen-2: "Benign". The histidine amino acid residue is found in multiple mammalian species, which suggests that this missense change does not adversely affect protein function. In summary, the available evidence is currently insufficient to determine the role of this variant in disease. Therefore, it has been classified as a Variant of Uncertain Significance.

Ambry Genetics
Classification: Likely benign for Inborn genetic diseases. Last evaluated: 2021-12-16. Review status: criteria provided, single submitter. Criteria: Ambry Variant Classification Scheme 2023. Collection method: clinical testing. Allele origin: germline.

GeneDx
Classification: Likely benign. Last evaluated: 2020-01-06. Review status: criteria provided, single submitter. Criteria: GeneDx Variant Classification Process June 2021. Collection method: clinical testing. Allele origin: germline. Affected: yes.